The following is an entry in ClinVar:

ClinVar aggregate classification (germline): Pathogenic (1 of 4 stars; one submission).

Conditions:
Arrhythmogenic cardiomyopathy with wooly hair and keratoderma. Also called: Arrhythmogenic cardiomyopathy with woolly hair and keratoderma; Carvajal syndrome; Dilated cardiomyopathy with woolly hair and keratoderma; PALMOPLANTAR KERATODERMA WITH LEFT VENTRICULAR CARDIOMYOPATHY AND WOOLLY HAIR. Identifiers: Orphanet 65282, MedGen C1854063, MONDO:0011581, OMIM 605676.
Arrhythmogenic right ventricular dysplasia 8 (ARVD8). Also called: Arrhythmogenic Right Ventricular Dysplasia/Cardiomyopathy 8; ARRHYTHMOGENIC RIGHT VENTRICULAR DYSPLASIA, FAMILIAL, 8; ARRHYTHMOGENIC RIGHT VENTRICULAR CARDIOMYOPATHY 8. Identifiers: MedGen C1843896, MONDO:0011831, OMIM 607450.

Submission:

Labcorp Genetics (formerly Invitae), Labcorp
Classification: Pathogenic for Arrhythmogenic cardiomyopathy with wooly hair and keratoderma; Arrhythmogenic right ventricular dysplasia 8. Last evaluated: 2022-05-28. Review status: criteria provided, single submitter. Criteria: Invitae Variant Classification Sherloc (09022015). Collection method: clinical testing. Allele origin: germline.
Comment: This sequence change creates a premature translational stop signal (p.Lys1287Glyfs*8) in the DSP gene. It is expected to result in an absent or disrupted protein product. Loss-of-function variants in DSP are known to be pathogenic (PMID: 20716751, 24503780, 25227139). This variant is not present in population databases (gnomAD no frequency). This variant has not been reported in the literature in individuals affected with DSP-related conditions. For these reasons, this variant has been classified as Pathogenic.

Literature cited by the submitters: PubMed 20716751; PubMed 24503780; PubMed 25227139.

NM_004415.4(DSP):c.3858_3859insGG (p.Lys1287fs)

Gene: DSP (desmoplakin; plus strand). Cytogenetic location: 6p24.3.
Variant type: Insertion.
Coding change: c.3858_3859insGG on transcript NM_004415.4 (MANE Select); coding-DNA positions 3858 to 3859, GG inserted.
Protein change: p.Lys1287fs; shifts the reading frame from lysine 1287.
Molecular consequence: frameshift variant. On other transcripts: intron variant (1).
Genome position: GRCh38 VCF-style: chr6-7580047-A-AGG. GRCh37 (hg19) VCF-style: chr6-7580280-A-AGG.
Other names: c.3858_3859insGG, p.Lys1287fs (NM_001319034.2); c.3582+276_3582+277insGG (NM_001008844.3); short protein forms K1287fs.
Identifiers: ClinVar variation 2098790 (VCV002098790.4), dbSNP rs2533926336, ClinGen allele CA2580075406.
Genomic context (GRCh38, chr6:7,580,047, plus strand): 5'-AGCGAAGGCGAGCTGAAGAAAACGCCCTTCAGCAAAAGGCCTGTGGCTCTGAGATAATGC[A>AGG]GAAGAAGCAGCATCTGGAGATAGAACTGAAGCAGGTCATGCAGCAGCGCTCTGAGGACAA-3'